The following is an entry in ClinVar:

ClinVar aggregate classification (germline): Uncertain significance (1 of 4 stars; one submission).

Allele frequency attached by ClinVar (database versions not stated): gnomAD 0.00001.
gnomAD v4.1: 5 of 1,613,964 alleles (0.00031%); highest among the groups gnomAD compares: South Asian, 0.0022%; no homozygotes.

Submission:

Labcorp Genetics (formerly Invitae), Labcorp
Classification: Uncertain significance. Last evaluated: 2024-10-29. Review status: criteria provided, single submitter. Criteria: Invitae Variant Classification Sherloc (09022015). Collection method: clinical testing. Allele origin: germline.
Comment: This sequence change replaces glutamine, which is neutral and polar, with glutamic acid, which is acidic and polar, at codon 478 of the ADGRE2 protein (p.Gln478Glu). This variant is present in population databases (no rsID available, gnomAD 0.003%). This variant has not been reported in the literature in individuals affected with ADGRE2-related conditions. ClinVar contains an entry for this variant (Variation ID: 2982799). An algorithm developed to predict the effect of missense changes on protein structure and function (PolyPhen-2) suggests that this variant is likely to be tolerated. In summary, the available evidence is currently insufficient to determine the role of this variant in disease. Therefore, it has been classified as a Variant of Uncertain Significance.

NM_013447.4(ADGRE2):c.1432C>G (p.Gln478Glu)

Gene: ADGRE2 (adhesion G protein-coupled receptor E2; minus strand). Cytogenetic location: 19p13.12.
Variant type: single nucleotide variant.
Coding change: c.1432C>G on transcript NM_013447.4 (MANE Select); coding-DNA position 1432, C replaced by G.
Protein change: p.Gln478Glu; replaces glutamine 478 with glutamic acid.
Molecular consequence: missense variant. On other transcripts: intron variant (1).
Genome position (GRCh38, 1-based): chr19:14,755,112, G>C on the plus strand (C>G on the coding strand, the complement: ADGRE2 is on the minus strand). VCF-style: chr19-14755112-G-C. GRCh37 (hg19) VCF-style: chr19-14865924-G-C.
Other names: c.1285C>G, p.Gln429Glu (NM_152916.2); c.1153C>G, p.Gln385Glu (NM_152917.2); c.1416+542C>G (NM_001271052.1); short protein forms Q429E, Q478E, Q385E.
Identifiers: ClinVar variation 2982799 (VCV002982799.3), dbSNP rs992977589, ClinGen allele CA305704284.
Genomic context (GRCh38, chr19:14,755,112, plus strand): 5'-TGGTGGCCCAGTGACCACATCCATTCTGGCCATGCTCCCAGAAGACACAGAGCACCTTCT[G>C]TCTCGGGATCACTGACTGCAGGAACAGAACACAGGTGTGGGCTGGGCATGGTGGCTCACG-3'
Protein context (NP_038475.2, residues 468-488): TFSHRSVIPR[Gln478Glu]KVLCVFWEHG